The following is an entry in ClinVar:

ClinVar aggregate classification (germline): Uncertain significance (1 of 4 stars; one submission).

Conditions:
Arginine:glycine amidinotransferase deficiency (CCDS3). Also called: L-Arginine:Glycine Amidinotransferase (AGAT) Deficiency; Cerebral creatine deficiency syndrome 3; AGAT deficiency; L-Arginine:Glycine Amidinotransferase Deficiency; Creatine deficiency syndrome due to AGAT deficiency; GATM deficiency. Identifiers: Orphanet 35704, MedGen C2675179, MONDO:0012996, OMIM 612718.

Submission:

Labcorp Genetics (formerly Invitae), Labcorp
Classification: Uncertain significance for Arginine:glycine amidinotransferase deficiency. Last evaluated: 2022-02-05. Review status: criteria provided, single submitter. Criteria: Invitae Variant Classification Sherloc (09022015). Collection method: clinical testing. Allele origin: germline.
Comment: In summary, the available evidence is currently insufficient to determine the role of this variant in disease. Therefore, it has been classified as a Variant of Uncertain Significance. Algorithms developed to predict the effect of missense changes on protein structure and function (SIFT, PolyPhen-2, Align-GVGD) all suggest that this variant is likely to be tolerated. This variant has not been reported in the literature in individuals affected with GATM-related conditions. This variant is not present in population databases (gnomAD no frequency). This sequence change replaces threonine, which is neutral and polar, with serine, which is neutral and polar, at codon 35 of the GATM protein (p.Thr35Ser).

NM_001482.3(GATM):c.104C>G (p.Thr35Ser)

Gene: GATM (glycine amidinotransferase; minus strand). Cytogenetic location: 15q21.1.
Variant type: single nucleotide variant.
Coding change: c.104C>G on transcript NM_001482.3 (MANE Select); coding-DNA position 104, C replaced by G.
Protein change: p.Thr35Ser; replaces threonine 35 with serine.
Molecular consequence: missense variant. On other transcripts: 5 prime UTR variant (1).
Genome position (GRCh38, 1-based): chr15:45,376,785, G>C on the plus strand (C>G on the coding strand, the complement: GATM is on the minus strand). VCF-style: chr15-45376785-G-C. GRCh37 (hg19) VCF-style: chr15-45668983-G-C.
Other names: c.-284C>G (NM_001321015.2); short protein forms T35S.
Identifiers: ClinVar variation 1394639 (VCV001394639.8), dbSNP rs1331986925, ClinGen allele CA392265808.
Genomic context (GRCh38, chr15:45,376,785, plus strand): 5'-TTGTCGTCAGCTGCACAGGAGTTCCGGGAGGAAGCCGTAGCTGCCTGGGTGCTCTGGAAA[G>C]TTCGCTGCACCCATCCTGTCAAGGTTCGTCCAAGCTTCCAAGAACAAAGAAAAGATTATT-3'
Protein context (NP_001473.1, residues 25-45): GRTLTGWVQR[Thr35Ser]FQSTQAATAS